The following is an entry in ClinVar:

NM_001114753.3(ENG):c.695G>T (p.Arg232Leu)

Gene: ENG (endoglin; minus strand). Cytogenetic location: 9q34.11.
Variant type: single nucleotide variant.
Coding change: c.695G>T on transcript NM_001114753.3 (MANE Select); coding-DNA position 695, G replaced by T.
Protein change: p.Arg232Leu; replaces arginine 232 with leucine.
Molecular consequence: missense variant.
Genome position (GRCh38, 1-based): chr9:127,825,352, C>A on the plus strand (G>T on the coding strand, the complement: ENG is on the minus strand). VCF-style: chr9-127825352-C-A. GRCh37 (hg19) VCF-style: chr9-130587631-C-A.
Other names: c.149G>T, p.Arg50Leu (NM_001278138.2); c.695G>T, p.Arg232Leu (NM_001406715.1, NM_000118.4); short protein forms R50L, R232L.
Identifiers: ClinVar variation 857185 (VCV000857185.8), dbSNP rs772467926, ClinGen allele CA374983460.

ClinVar aggregate classification (germline): Uncertain significance (1 of 4 stars; one submission).

Conditions:
Hereditary hemorrhagic telangiectasia (HHT). Also called: ORW DISEASE; Osler Weber Rendu syndrome; OSLER-RENDU-WEBER DISEASE; Osler hemorrhagic telangiectasia syndrome. Identifiers: Orphanet 774, MedGen C0039445, MONDO:0019180. Disease mechanism: loss of function.

gnomAD v4.1: 1 of 1,609,864 alleles (0.000062%); highest among the groups gnomAD compares: Non-Finnish European, 0.000085%; no homozygotes.

Submission:

Labcorp Genetics (formerly Invitae), Labcorp
Classification: Uncertain significance for Hereditary hemorrhagic telangiectasia. Last evaluated: 2021-08-28. Review status: criteria provided, single submitter. Criteria: Invitae Variant Classification Sherloc (09022015). Collection method: clinical testing. Allele origin: germline.
Comment: This sequence change replaces arginine with leucine at codon 232 of the ENG protein (p.Arg232Leu). The arginine residue is moderately conserved and there is a moderate physicochemical difference between arginine and leucine. This variant is not present in population databases (ExAC no frequency). This variant has not been reported in the literature in individuals affected with ENG-related conditions. Algorithms developed to predict the effect of missense changes on protein structure and function (SIFT, PolyPhen-2, Align-GVGD) all suggest that this variant is likely to be tolerated. In summary, the available evidence is currently insufficient to determine the role of this variant in disease. Therefore, it has been classified as a Variant of Uncertain Significance.